The following is an entry in ClinVar:

ClinVar aggregate classification (germline): Uncertain significance. Review status: criteria provided, multiple submitters, no conflicts (2 of 4 stars). 2 submissions from 2 submitters: Uncertain significance (2). Last evaluated 2025-06-10.

gnomAD v4.1: 48 of 1,543,740 alleles (0.0031%); highest among the groups gnomAD compares: African/African-American, 0.062%; no homozygotes.

Submissions (2):

Women's Health and Genetics/Laboratory Corporation of America, LabCorp
Classification: Uncertain significance. Last evaluated: 2025-06-10. Review status: criteria provided, single submitter. Criteria: LabCorp Variant Classification Summary - May 2015. Collection method: clinical testing. Allele origin: germline.
Comment: Variant summary: FOXRED1 c.412A>T (p.Ile138Phe) results in a non-conservative amino acid change in the encoded protein sequence. Algorithms developed to predict the effect of missense changes on protein structure and function are either unavailable or do not agree on the potential impact of this missense change. The variant allele was found at a frequency of 4e-05 in 251278 control chromosomes. This frequency is not significantly higher than estimated for a pathogenic variant in FOXRED1 causing Mitochondrial Complex 1 Deficiency, Nuclear Type 19, allowing no conclusion about variant significance. To our knowledge, no occurrence of c.412A>T in individuals affected with Mitochondrial Complex 1 Deficiency, Nuclear Type 19 and no experimental evidence demonstrating its impact on protein function have been reported. ClinVar contains an entry for this variant (Variation ID: 3765869). Based on the evidence outlined above, the variant was classified as uncertain significance.

Greenwood Genetic Center Diagnostic Laboratories, Greenwood Genetic Center
Classification: Uncertain significance. Last evaluated: 2024-07-25. Review status: criteria provided, single submitter. Criteria: ACMG Guidelines, 2015. Collection method: clinical testing. Allele origin: germline. Affected: yes.
Comment: No Rules Apply

NM_017547.4(FOXRED1):c.412A>T (p.Ile138Phe)

Gene: FOXRED1 (FAD dependent oxidoreductase domain containing 1; plus strand). Cytogenetic location: 11q24.2.
Variant type: single nucleotide variant.
Coding change: c.412A>T on transcript NM_017547.4 (MANE Select); coding-DNA position 412, A replaced by T.
Protein change: p.Ile138Phe; replaces isoleucine 138 with phenylalanine.
Molecular consequence: missense variant. On other transcripts: 5 prime UTR variant (8), non-coding transcript variant (3).
Genome position (GRCh38, 1-based): chr11:126,273,074, A>T. VCF-style: chr11-126273074-A-T. GRCh37 (hg19) VCF-style: chr11-126142969-A-T.
Other names: c.412A>T, p.Ile138Phe (NM_001425160.1, NM_001425161.1, NM_001425163.1 and 4 more transcripts); c.-99A>T (NM_001425168.1, NM_001425170.1); c.-119A>T (NM_001425169.1); c.-146A>T (NM_001425171.1, NM_001425172.1); c.-127A>T (NM_001425173.1, NM_001425174.1, NM_001425175.1); short protein forms I138F.
Identifiers: ClinVar variation 3765869 (VCV003765869.2).